The following is an entry in ClinVar:

ClinVar aggregate classification (germline): Pathogenic/Likely pathogenic. Review status: criteria provided, multiple submitters, no conflicts (2 of 4 stars). 2 submissions from 2 submitters: Pathogenic (1); Likely pathogenic (1). Last evaluated 2023-01-12.

Conditions:
Juvenile retinoschisis (RS1). Also called: X-Linked Juvenile Retinoschisis; X-linked retinoschisis. Identifiers: Orphanet 792, MedGen C3714753, MONDO:0010725, OMIM 312700.

Submissions (3):

Labcorp Genetics (formerly Invitae), Labcorp
Classification: Pathogenic. Last evaluated: 2023-01-12. Review status: criteria provided, single submitter. Criteria: Invitae Variant Classification Sherloc (09022015). Collection method: clinical testing. Allele origin: germline.
Comment: ClinVar contains an entry for this variant (Variation ID: 1687609). This premature translational stop signal has been observed in individuals with X-linked retinoschisis (PMID: 22245991, 25999676). This variant is not present in population databases (gnomAD no frequency). This variant disrupts a region of the RS1 protein in which other variant(s) ( p.Cys223Arg) have been determined to be pathogenic (PMID: 10533068, 16361673, 30652005; Invitae). This suggests that this is a clinically significant region of the protein, and that variants that disrupt it are likely to be disease-causing. This sequence change creates a premature translational stop signal (p.Tyr177*) in the RS1 gene. While this is not anticipated to result in nonsense mediated decay, it is expected to disrupt the last 48 amino acid(s) of the RS1 protein. For these reasons, this variant has been classified as Pathogenic.

3billion
Classification: Likely pathogenic for Juvenile retinoschisis. Last evaluated: 2022-05-22. Review status: criteria provided, single submitter. Criteria: ACMG Guidelines, 2015. Collection method: clinical testing. Allele origin: germline. Affected: yes. Observed: 1 hemizygote.
Comment: The variant is not observed in the gnomAD v2.1.1 dataset. Stop-gained (nonsense): predicted to result in a loss or disruption of normal protein function through protein truncation. Multiple pathogenic variants are reported in the predicted truncated region. The variant has been reported to be associated with RS1 related disorder (PMID: 22245991). Therefore, this variant is classified as likely pathogenic according to the recommendation of ACMG/AMP guideline.

Dr. Peter K. Rogan Lab, Western University
No classification provided (evidence only). Condition: Thyroid cancer, nonmedullary, 1. Review status: no classification provided. Collection method: in vitro. Allele origin: not applicable. Functional consequence: retained intron. Not counted in ClinVar's aggregate classification.

Literature cited by the submitters: PubMed 22245991 (cited by Labcorp Genetics (formerly Invitae), Labcorp and 3billion); PubMed 25999676 (cited by Labcorp Genetics (formerly Invitae), Labcorp); PubMed 10533068 (cited by Labcorp Genetics (formerly Invitae), Labcorp); PubMed 16361673 (cited by Labcorp Genetics (formerly Invitae), Labcorp); PubMed 30652005 (cited by Labcorp Genetics (formerly Invitae), Labcorp).

NM_000330.4(RS1):c.531T>G (p.Tyr177Ter)

Genes: CDKL5 (cyclin dependent kinase like 5; plus strand), RS1 (retinoschisin 1; minus strand). Cytogenetic location: Xp22.13.
Variant type: single nucleotide variant.
Coding change: c.531T>G on transcript NM_000330.4 (MANE Select); coding-DNA position 531, T replaced by G.
Protein change: p.Tyr177Ter; replaces tyrosine 177 with a stop codon.
Molecular consequence: nonsense. On other transcripts: intron variant (2).
Genome position (GRCh38, 1-based): chrX:18,642,148, A>C on the plus strand (T>G on the coding strand, the complement: RS1 is on the minus strand). VCF-style: chrX-18642148-A-C. GRCh37 (hg19) VCF-style: chrX-18660268-A-C.
Other names: c.2714-3859A>C (NM_003159.3, NM_001037343.2); short protein forms Y177*.
Identifiers: ClinVar variation 1687609 (VCV001687609.6), dbSNP rs2147189125, ClinGen allele CA412370597.